The following is an entry in ClinVar:

ClinVar aggregate classification (germline): Uncertain significance (1 of 4 stars; one submission).

Submission:

Labcorp Genetics (formerly Invitae), Labcorp
Classification: Uncertain significance. Last evaluated: 2024-04-03. Review status: criteria provided, single submitter. Criteria: Invitae Variant Classification Sherloc (09022015). Collection method: clinical testing. Allele origin: germline.
Comment: This sequence change replaces proline, which is neutral and non-polar, with leucine, which is neutral and non-polar, at codon 226 of the COL13A1 protein (p.Pro226Leu). This variant is not present in population databases (gnomAD no frequency). This variant has not been reported in the literature in individuals affected with COL13A1-related conditions. Algorithms developed to predict the effect of missense changes on protein structure and function output the following: SIFT: "Not Available"; PolyPhen-2: "Benign"; Align-GVGD: "Not Available". The leucine amino acid residue is found in multiple mammalian species, which suggests that this missense change does not adversely affect protein function. In summary, the available evidence is currently insufficient to determine the role of this variant in disease. Therefore, it has been classified as a Variant of Uncertain Significance.

NM_001368882.1(COL13A1):c.685-1203C>T

Gene: COL13A1 (collagen type XIII alpha 1 chain; plus strand). Cytogenetic location: 10q22.1.
Variant type: single nucleotide variant.
Coding change: c.685-1203C>T on transcript NM_001368882.1 (MANE Select); 1203 bases into the intron before coding-DNA position 685, C replaced by T.
Molecular consequence: intron variant. On other transcripts: missense variant (4).
Genome position (GRCh38, 1-based): chr10:69,897,494, C>T. VCF-style: chr10-69897494-C-T. GRCh37 (hg19) VCF-style: chr10-71657250-C-T.
Other names: c.677C>T, p.Pro226Leu (NM_001130103.2, NM_080801.4, NM_080802.4); c.590C>T, p.Pro197Leu (NM_080805.4); c.685-1203C>T (NM_001320951.2, NM_001368884.1); c.658-1203C>T (NM_080800.4); c.85-1203C>T (NM_001368886.1); c.649-1203C>T (NM_001368883.1, NM_001368885.1); c.571-1203C>T (NM_001368897.1); c.595-1203C>T (NM_001368895.1); and 1 more; short protein forms P197L, P226L.
Identifiers: ClinVar variation 3689764 (VCV003689764.2).
Genomic context (GRCh38, chr10:69,897,494, plus strand): 5'-TGTCGCCCTGTCTCTGCCACCTCCATCCCCTCCCAAACTAGGAGTGCCTAAGCAGCATGC[C>T]AGCAGCTCTGCGCTCCAGCCAAATAATTGCCCTGAAGGTTTGTAGGTTCTGGAAGGTCTC-3'